The following is an entry in ClinVar:

ClinVar aggregate classification (germline): Uncertain significance (1 of 4 stars; one submission).

Conditions:
DYRK1A-related intellectual disability syndrome (MRD7). Also called: DYRK1A Syndrome; Intellectual developmental disorder, autosomal dominant 7. Identifiers: Orphanet 464306, MedGen C5568143, MONDO:0013578, OMIM 614104.

Allele frequency attached by ClinVar (database versions not stated): TOPMed below 0.00001.
gnomAD v4.1: 2 of 1,614,096 alleles (0.00012%); highest among the groups gnomAD compares: Admixed American, 0.0033%; no homozygotes.

Submission:

Labcorp Genetics (formerly Invitae), Labcorp
Classification: Uncertain significance for DYRK1A-related intellectual disability syndrome. Last evaluated: 2023-05-15. Review status: criteria provided, single submitter. Criteria: Invitae Variant Classification Sherloc (09022015). Collection method: clinical testing. Allele origin: germline.
Comment: In summary, the available evidence is currently insufficient to determine the role of this variant in disease. Therefore, it has been classified as a Variant of Uncertain Significance. Advanced modeling of protein sequence and biophysical properties (such as structural, functional, and spatial information, amino acid conservation, physicochemical variation, residue mobility, and thermodynamic stability) performed at Invitae indicates that this missense variant is not expected to disrupt DYRK1A protein function. ClinVar contains an entry for this variant (Variation ID: 853083). This variant has not been reported in the literature in individuals affected with DYRK1A-related conditions. This variant is not present in population databases (gnomAD no frequency). This sequence change replaces histidine, which is basic and polar, with proline, which is neutral and non-polar, at codon 554 of the DYRK1A protein (p.His554Pro).

NM_001347721.2(DYRK1A):c.1634A>C (p.His545Pro)

Gene: DYRK1A (dual specificity tyrosine phosphorylation regulated kinase 1A; plus strand). Cytogenetic location: 21q22.13.
Variant type: single nucleotide variant.
Coding change: c.1634A>C on transcript NM_001347721.2 (MANE Select); coding-DNA position 1634, A replaced by C.
Protein change: p.His545Pro; replaces histidine 545 with proline.
Molecular consequence: missense variant. On other transcripts: intron variant (1).
Genome position (GRCh38, 1-based): chr21:37,506,213, A>C. VCF-style: chr21-37506213-A-C. GRCh37 (hg19) VCF-style: chr21-38878516-A-C.
Other names: c.1634A>C, p.His545Pro (NM_001347722.2, NM_130436.2); c.1547A>C, p.His516Pro (NM_001347723.2); c.1661A>C, p.His554Pro (NM_001396.5, NM_101395.2); c.1546+624A>C (NM_130438.2); short protein forms H545P, H516P, H554P.
Identifiers: ClinVar variation 853083 (VCV000853083.7), dbSNP rs1261272756, ClinGen allele CA409939029.